The following is an entry in ClinVar:

NM_000051.4(ATM):c.6284_6290dup (p.Glu2097fs)

Genes: ATM (ATM serine/threonine kinase; plus strand), C11orf65 (chromosome 11 open reading frame 65; minus strand). Cytogenetic location: 11q22.3.
Variant type: Duplication.
Coding change: c.6284_6290dup on transcript NM_000051.4 (MANE Select); coding-DNA positions 6284 to 6290, 7 bases duplicated (TAGAAGA; older notation c.6284_6290dupTAGAAGA).
Protein change: p.Glu2097fs; shifts the reading frame from glutamic acid 2097.
Molecular consequence: frameshift variant. On other transcripts: intron variant (2).
Genome position (GRCh38, 1-based): chr11:108,317,458-108,317,464, TAGAAGA duplicated. VCF-style (leftmost placement, unchanged base first): chr11-108317457-C-CTAGAAGA. GRCh37 (hg19) VCF-style: chr11-108188184-C-CTAGAAGA.
Other names: c.6284_6290dup, p.Glu2097fs (NM_001351834.2); c.641-8393_641-8387dup (NM_001330368.2); c.*39-8393_*39-8387dup (NM_001351110.2); short protein forms E2097fs.
Identifiers: ClinVar variation 3148618 (VCV003148618.1), dbSNP rs2547115626, ClinGen allele CA2825001858.

ClinVar aggregate classification (germline): Pathogenic (1 of 4 stars; one submission).

Conditions:
Familial cancer of breast. Also called: hereditary breast carcinoma; BREAST CANCER, FAMILIAL; Hereditary breast cancer. Identifiers: Orphanet 227535, MedGen C0346153, MONDO:0016419, OMIM 114480. Disease mechanism: loss of function.

Submission:

Myriad Genetics, Inc.
Classification: Pathogenic for Familial cancer of breast. Last evaluated: 2024-01-29. Review status: criteria provided, single submitter. Criteria: Myriad Autosomal Dominant, Autosomal Recessive and X-Linked Classification Criteria (2023). Collection method: clinical testing. Allele origin: unknown.
Comment: This variant is considered pathogenic. This variant creates a frameshift predicted to result in premature protein truncation.